The following is an entry in ClinVar:

NM_000059.4(BRCA2):c.4759G>A (p.Ala1587Thr)

Gene: BRCA2 (BRCA2 DNA repair associated; plus strand). Cytogenetic location: 13q13.1.
Variant type: single nucleotide variant.
Coding change: c.4759G>A on transcript NM_000059.4 (MANE Select); coding-DNA position 4759, G replaced by A.
Protein change: p.Ala1587Thr; replaces alanine 1587 with threonine.
Molecular consequence: missense variant.
Genome position (GRCh38, 1-based): chr13:32,339,114, G>A. VCF-style: chr13-32339114-G-A. GRCh37 (hg19) VCF-style: chr13-32913251-G-A.
Other names: short protein forms A1587T.
Identifiers: ClinVar variation 186987 (VCV000186987.26), dbSNP rs56137239, ClinGen allele CA020778.

ClinVar aggregate classification (germline): Conflicting classifications of pathogenicity. Review status: criteria provided, conflicting classifications (1 of 4 stars). 8 submissions from 8 submitters: Uncertain significance (5); Likely benign (2). 1 of the submissions does not count toward it. Last evaluated 2025-07-17.

Conditions:
Hereditary breast ovarian cancer syndrome. Also called: Hereditary breast and ovarian cancer; Hereditary breast and ovarian cancer syndrome; Breast and ovarian cancer; Hereditary breast and ovarian cancer syndrome (HBOC); Hereditary breast and/or ovarian cancer syndrome; BRCA1- and BRCA2-Associated Hereditary Breast and Ovarian Cancer. Identifiers: Orphanet 145, MedGen C0677776, MeSH D061325, MONDO:0003582. Disease mechanism: loss of function.
Hereditary cancer-predisposing syndrome. Also called: Hereditary Cancer Syndrome; Neoplastic Syndromes, Hereditary; Tumor predisposition; Hereditary neoplastic syndrome. Identifiers: Orphanet 140162, MedGen C0027672, MeSH D009386, MONDO:0015356.
Breast-ovarian cancer, familial, susceptibility to, 2 (BROVCA2). Also called: BRCA2 Hereditary Breast and Ovarian Cancer. Identifiers: Orphanet 145, MedGen C2675520, MONDO:0012933, OMIM 612555. Disease mechanism: loss of function.

Allele frequency attached by ClinVar (database versions not stated): gnomAD 0.00001; gnomAD exomes 0.00001; TOPMed 0.00001.
gnomAD v4.1: 8 of 1,613,844 alleles (0.0005%); highest among the groups gnomAD compares: African/African-American, 0.004%; no homozygotes.

Submissions (8):

Labcorp Genetics (formerly Invitae), Labcorp
Classification: Uncertain significance for Hereditary breast ovarian cancer syndrome. Last evaluated: 2025-07-17. Review status: criteria provided, single submitter. Criteria: Invitae Variant Classification Sherloc (09022015). Collection method: clinical testing. Allele origin: germline.
Comment: This sequence change replaces alanine, which is neutral and non-polar, with threonine, which is neutral and polar, at codon 1587 of the BRCA2 protein (p.Ala1587Thr). This variant is present in population databases (rs56137239, gnomAD 0.01%). This missense change has been observed in individual(s) with pancreatic cancer (PMID: 25479140). ClinVar contains an entry for this variant (Variation ID: 186987). Invitae Evidence Modeling of protein sequence and biophysical properties (such as structural, functional, and spatial information, amino acid conservation, physicochemical variation, residue mobility, and thermodynamic stability) indicates that this missense variant is not expected to disrupt BRCA2 protein function with a negative predictive value of 95%. In summary, the available evidence is currently insufficient to determine the role of this variant in disease. Therefore, it has been classified as a Variant of Uncertain Significance.

Women's Health and Genetics/Laboratory Corporation of America, LabCorp
Classification: Uncertain significance. Last evaluated: 2023-04-06. Review status: criteria provided, single submitter. Criteria: LabCorp Variant Classification Summary - May 2015. Collection method: clinical testing. Allele origin: germline.
Comment: Variant summary: BRCA2 c.4759G>A (p.Ala1587Thr) results in a non-conservative amino acid change in the encoded protein sequence. Four of five in-silico tools predict a benign effect of the variant on protein function. The variant was absent in 250734 control chromosomes (gnomAD). The available data on variant occurrences in the general population are insufficient to allow any conclusion about variant significance. c.4759G>A, has been reported in the literature in one individual affected with Pancreatic Cancer (Grant_2015). These report(s) do not provide unequivocal conclusions about association of the variant with Hereditary Breast And Ovarian Cancer Syndrome. To our knowledge, no experimental evidence demonstrating an impact on protein function has been reported. Six clinical diagnostic laboratories have submitted clinical-significance assessments for this variant to ClinVar after 2014 and classified the variant as VUS (n=4) and likely benign (n=2). Based on the evidence outlined above, the variant was classified as uncertain significance.

University of Washington Department of Laboratory Medicine, University of Washington
Classification: Likely benign for Hereditary cancer-predisposing syndrome. Last evaluated: 2023-03-23. Review status: criteria provided, single submitter. Criteria: Dines et al. (Genet Med. 2020). Collection method: curation. Allele origin: germline.
Comment: Missense variant in a coldspot region where missense variants are very unlikely to be pathogenic (PMID:31911673).

BRCA2 exon 11 coldspot. Reclassification based on statistical prior probability.

All of Us Research Program, National Institutes of Health
Classification: Uncertain significance for Breast-ovarian cancer, familial, susceptibility to, 2. Last evaluated: 2023-03-04. Review status: criteria provided, single submitter. Criteria: ACMG Guidelines, 2015. Collection method: clinical testing. Allele origin: germline. Inheritance: Autosomal dominant inheritance. Observed: 1 variant allele, 1 heterozygote.
Comment: This study involves interpretation of variants in research participants for the purpose of population health screening. Participant phenotype was not available at the time of variant classification. Additional details can be found in publication PMID: 35346344, PMCID: PMC8962531

Color Diagnostics, LLC DBA Color Health
Classification: Uncertain significance for Hereditary cancer-predisposing syndrome. Last evaluated: 2019-04-18. Review status: criteria provided, single submitter. Criteria: ACMG Guidelines, 2015. Collection method: clinical testing. Allele origin: germline.

Ambry Genetics
Classification: Likely benign for Hereditary cancer-predisposing syndrome. Last evaluated: 2018-03-29. Review status: criteria provided, single submitter. Criteria: Ambry Variant Classification Scheme 2023. Collection method: clinical testing. Allele origin: germline.

GeneDx
Classification: Uncertain significance. Last evaluated: 2015-12-23. Review status: criteria provided, single submitter. Criteria: GeneDx Variant Classification (06012015). Collection method: clinical testing. Allele origin: germline. Affected: yes.
Comment: This variant is denoted BRCA2 c.4759G>A at the cDNA level, p.Ala1587Thr (A1587T) at the protein level, and results in the change of an Alanine to a Threonine (GCT>ACT). Using alternate nomenclature, this variant would be defined as BRCA2 4987G>A. This variant has not, to our knowledge, been published in the literature as pathogenic or benign. BRCA2 Ala1587Thr was not observed in approximately 6,500 individuals of European and African American ancestry in the NHLBI Exome Sequencing Project, suggesting it is not a common benign variant in these populations. Since Alanine and Threonine differ in polarity, charge, size or other properties, this is considered a non-conservative amino acid substitution. BRCA2 Ala1587Thr occurs at a position that is not conserved and is located within a region required for POLH DNA synthesis stimulation and for interaction with POLH and RAD51 (Roy 2012, UniProt). In silico analyses predict that this variant is unlikely to alter protein structure or function. Based on currently available evidence, it is unclear whether BRCA2 Ala1587Thr is a pathogenic or benign variant. We consider it to be a variant of uncertain significance.

Counsyl
Classification: Uncertain significance for Breast-ovarian cancer, familial, susceptibility to, 2. Last evaluated: 2016-08-19. Review status: no assertion criteria provided. Collection method: clinical testing. Allele origin: unknown. Not counted in ClinVar's aggregate classification.

Literature cited by the submitters: PubMed 25479140 (cited by 3 submitters).